The following is an entry in ClinVar:

ClinVar aggregate classification (germline): Uncertain significance. Review status: criteria provided, multiple submitters, no conflicts (2 of 4 stars). 2 submissions from 2 submitters: Uncertain significance (2). Last evaluated 2025-10-06.

Conditions:
Hereditary cancer-predisposing syndrome. Also called: Tumor predisposition; Neoplastic Syndromes, Hereditary; Hereditary Cancer Syndrome; Hereditary neoplastic syndrome. Identifiers: Orphanet 140162, MedGen C0027672, MeSH D009386, MONDO:0015356.
Bloom syndrome (BLM). Also called: Bloom-Torre-Machacek syndrome. Identifiers: Orphanet 125, MedGen C0005859, MONDO:0008876, OMIM 210900.

Submissions (2):

Ambry Genetics
Classification: Uncertain significance for Hereditary cancer-predisposing syndrome. Last evaluated: 2025-10-06. Review status: criteria provided, single submitter. Criteria: Ambry Variant Classification Scheme 2023. Collection method: clinical testing. Allele origin: germline.
Comment: The p.D1071V variant (also known as c.3212A>T), located in coding exon 16 of the BLM gene, results from an A to T substitution at nucleotide position 3212. The aspartic acid at codon 1071 is replaced by valine, an amino acid with highly dissimilar properties. This amino acid position is not well conserved in available vertebrate species. In addition, the in silico prediction for this alteration is inconclusive. Since supporting evidence is limited at this time, the clinical significance of this alteration remains unclear.

Labcorp Genetics (formerly Invitae), Labcorp
Classification: Uncertain significance for Bloom syndrome. Last evaluated: 2024-06-23. Review status: criteria provided, single submitter. Criteria: Invitae Variant Classification Sherloc (09022015). Collection method: clinical testing. Allele origin: germline.
Comment: This sequence change replaces aspartic acid, which is acidic and polar, with valine, which is neutral and non-polar, at codon 1071 of the BLM protein (p.Asp1071Val). This variant is not present in population databases (gnomAD no frequency). This variant has not been reported in the literature in individuals affected with BLM-related conditions. ClinVar contains an entry for this variant (Variation ID: 1728954). An algorithm developed to predict the effect of missense changes on protein structure and function (PolyPhen-2) suggests that this variant is likely to be tolerated. In summary, the available evidence is currently insufficient to determine the role of this variant in disease. Therefore, it has been classified as a Variant of Uncertain Significance.

NM_000057.4(BLM):c.3212A>T (p.Asp1071Val)

Gene: BLM (BLM RecQ like helicase; plus strand). Cytogenetic location: 15q26.1.
Variant type: single nucleotide variant.
Coding change: c.3212A>T on transcript NM_000057.4 (MANE Select); coding-DNA position 3212, A replaced by T.
Protein change: p.Asp1071Val; replaces aspartic acid 1071 with valine.
Molecular consequence: missense variant.
Genome position (GRCh38, 1-based): chr15:90,798,191, A>T. VCF-style: chr15-90798191-A-T. GRCh37 (hg19) VCF-style: chr15-91341421-A-T.
Other names: c.3212A>T, p.Asp1071Val (NM_001287246.2, NM_001287247.2); c.2087A>T, p.Asp696Val (NM_001287248.2); short protein forms D696V, D1071V.
Identifiers: ClinVar variation 1728954 (VCV001728954.5), dbSNP rs1897075069, ClinGen allele CA393847103.